The following is an entry in ClinVar:

NM_000092.5(COL4A4):c.2086G>A (p.Ala696Thr)

Gene: COL4A4 (collagen type IV alpha 4 chain; minus strand). Cytogenetic location: 2q36.3.
Variant type: single nucleotide variant.
Coding change: c.2086G>A on transcript NM_000092.5 (MANE Select); coding-DNA position 2086, G replaced by A.
Protein change: p.Ala696Thr; replaces alanine 696 with threonine.
Molecular consequence: missense variant.
Genome position (GRCh38, 1-based): chr2:227,060,214, C>T on the plus strand (G>A on the coding strand, the complement: COL4A4 is on the minus strand). VCF-style: chr2-227060214-C-T. GRCh37 (hg19) VCF-style: chr2-227924930-C-T.
Other names: short protein forms A696T.
Identifiers: ClinVar variation 3678463 (VCV003678463.2).
Genomic context (GRCh38, chr2:227,060,214, plus strand): 5'-CCGCTGTTCCTGGTGTGCCAGGTCTGCCTTTATGCCCATCTGAACCACTCAGCCCAGGGG[C>T]ACCTTGGGGACCTGGAAATCCCTTCGGACCTAAACAATAATAAAAACAAAACACAGACTC-3'
Protein context (NP_000083.3, residues 686-706): GPKGFPGPQG[Ala696Thr]PGLSGSDGHK

ClinVar aggregate classification (germline): Uncertain significance (1 of 4 stars; one submission).

Submission:

Labcorp Genetics (formerly Invitae), Labcorp
Classification: Uncertain significance. Last evaluated: 2024-07-20. Review status: criteria provided, single submitter. Criteria: Invitae Variant Classification Sherloc (09022015). Collection method: clinical testing. Allele origin: germline.
Comment: This sequence change replaces alanine, which is neutral and non-polar, with threonine, which is neutral and polar, at codon 696 of the COL4A4 protein (p.Ala696Thr). This variant is not present in population databases (gnomAD no frequency). This variant has not been reported in the literature in individuals affected with COL4A4-related conditions. Advanced modeling of protein sequence and biophysical properties (such as structural, functional, and spatial information, amino acid conservation, physicochemical variation, residue mobility, and thermodynamic stability) performed at Invitae indicates that this missense variant is not expected to disrupt COL4A4 protein function with a negative predictive value of 95%. In summary, the available evidence is currently insufficient to determine the role of this variant in disease. Therefore, it has been classified as a Variant of Uncertain Significance.